The following is an entry in ClinVar:

ClinVar aggregate classification (germline): Uncertain significance. Review status: criteria provided, multiple submitters, no conflicts (2 of 4 stars). 3 submissions from 3 submitters: Uncertain significance (3). Last evaluated 2025-12-15.

Conditions:
RFT1-congenital disorder of glycosylation (CDG1N). Also called: CDG In; Congenital disorder of glycosylation type In; RFT1-CDG. Identifiers: Orphanet 244310, MedGen C2677590, MONDO:0012783, OMIM 612015.
Inborn genetic diseases. Identifiers: MedGen C0950123, MeSH D030342.

Allele frequency attached by ClinVar (database versions not stated): gnomAD exomes 0.00001; ExAC 0.00002.
gnomAD v4.1: 7 of 1,613,940 alleles (0.00043%); highest among the groups gnomAD compares: South Asian, 0.0077%; no homozygotes.

Submissions (3):

Ambry Genetics
Classification: Uncertain significance for Inborn genetic diseases. Last evaluated: 2025-12-15. Review status: criteria provided, single submitter. Criteria: Ambry Variant Classification Scheme 2023. Collection method: clinical testing. Allele origin: germline.

Victorian Clinical Genetics Services, Murdoch Childrens Research Institute
Classification: Uncertain significance for RFT1-congenital disorder of glycosylation. Last evaluated: 2024-10-03. Review status: criteria provided, single submitter. Criteria: ACMG Guidelines, 2015. Collection method: clinical testing. Allele origin: germline. Affected: yes.
Comment: This variant is classified as VUS-3B. Evidence in support of pathogenic classification: Variant is present in gnomAD <0.01 for a recessive condition (v4: 7 heterozygote(s), 0 homozygote(s)); Missense variant consistently predicted to be damaging by in silico tool or highly conserved with a major amino acid change. Additional information: Variant is predicted to result in a missense amino acid change from threonine to isoleucine; This variant is homozygous; This gene is associated with autosomal recessive disease; Previous evidence of pathogenicity for this variant is inconclusive. This variant has been reported once as a VUS in ClinVar by a clinical laboratory; No published segregation evidence has been identified for this variant; No published functional evidence has been identified for this variant; No comparable missense variants have previous evidence for pathogenicity; Variant is located in the annotated Rft-1 domain (DECIPHER); Loss of function is a known mechanism of disease in this gene and is associated with congenital disorder of glycosylation, type In (MIM#612015).

Labcorp Genetics (formerly Invitae), Labcorp
Classification: Uncertain significance for RFT1-congenital disorder of glycosylation. Last evaluated: 2023-07-17. Review status: criteria provided, single submitter. Criteria: Invitae Variant Classification Sherloc (09022015). Collection method: clinical testing. Allele origin: germline.
Comment: In summary, the available evidence is currently insufficient to determine the role of this variant in disease. Therefore, it has been classified as a Variant of Uncertain Significance. Advanced modeling of protein sequence and biophysical properties (such as structural, functional, and spatial information, amino acid conservation, physicochemical variation, residue mobility, and thermodynamic stability) performed at Invitae indicates that this missense variant is not expected to disrupt RFT1 protein function. ClinVar contains an entry for this variant (Variation ID: 1483128). This variant has not been reported in the literature in individuals affected with RFT1-related conditions. This variant is present in population databases (rs762597470, gnomAD 0.01%). This sequence change replaces threonine, which is neutral and polar, with isoleucine, which is neutral and non-polar, at codon 243 of the RFT1 protein (p.Thr243Ile).

NM_052859.4(RFT1):c.728C>T (p.Thr243Ile)

Gene: RFT1 (RFT1 glycolipid translocator homolog; minus strand). Cytogenetic location: 3p21.1.
Variant type: single nucleotide variant.
Coding change: c.728C>T on transcript NM_052859.4 (MANE Select); coding-DNA position 728, C replaced by T.
Protein change: p.Thr243Ile; replaces threonine 243 with isoleucine.
Molecular consequence: missense variant.
Genome position (GRCh38, 1-based): chr3:53,111,877, G>A on the plus strand (C>T on the coding strand, the complement: RFT1 is on the minus strand). VCF-style: chr3-53111877-G-A. GRCh37 (hg19) VCF-style: chr3-53145893-G-A.
Other names: c.728C>T (NM_052859.3); short protein forms T243I.
Identifiers: ClinVar variation 1483128 (VCV001483128.11), dbSNP rs762597470, ClinGen allele CA2451363.
Genomic context (GRCh38, chr3:53,111,877, plus strand): 5'-ACCGTCTACTTACCTTCTGTCAAAATCTGTTTCAAGAAAGACTGTTTGAAAAAACTCCAA[G>A]TCAGTTTAGCCTCTTTCCAGTTTATAAACGCCTAGAAGAGAAAACAAAACAAAACAAAAA-3'
Protein context (NP_443091.1, residues 233-253): AFINWKEAKL[Thr243Ile]WSFFKQSFLK